The following is an entry in ClinVar:

NM_001142864.4(PIEZO1):c.4623C>A (p.Asp1541Glu)

Gene: PIEZO1 (piezo type mechanosensitive ion channel component 1 (Er blood group); minus strand). Cytogenetic location: 16q24.3.
Variant type: single nucleotide variant.
Coding change: c.4623C>A on transcript NM_001142864.4 (MANE Select); coding-DNA position 4623, C replaced by A.
Protein change: p.Asp1541Glu; replaces aspartic acid 1541 with glutamic acid.
Molecular consequence: missense variant.
Genome position (GRCh38, 1-based): chr16:88,722,882, G>T on the plus strand (C>A on the coding strand, the complement: PIEZO1 is on the minus strand). VCF-style: chr16-88722882-G-T. GRCh37 (hg19) VCF-style: chr16-88789290-G-T.
Other names: c.4623C>A (NM_001142864.3, NM_001142864.2); short protein forms D1541E.
Identifiers: ClinVar variation 1494317 (VCV001494317.18), dbSNP rs748928863, ClinGen allele CA286410082.

ClinVar aggregate classification (germline): Conflicting classifications of pathogenicity. Review status: criteria provided, conflicting classifications (1 of 4 stars). 5 submissions from 5 submitters: Uncertain significance (3); Benign (1). 1 of the submissions does not count toward it. Last evaluated 2025-03-01.

Conditions:
PIEZO1-related disorder. Also called: PIEZO1-Related Disorders; PIEZO1-related condition.
Inborn genetic diseases. Identifiers: MedGen C0950123, MeSH D030342.

gnomAD v4.1: 25 of 1,548,580 alleles (0.0016%); highest among the groups gnomAD compares: African/African-American, 0.027%; no homozygotes.

Submissions (5):

CeGaT Center for Human Genetics Tuebingen
Classification: Uncertain significance. Last evaluated: 2025-03-01. Review status: criteria provided, single submitter. Criteria: CeGaT Center For Human Genetics Tuebingen Variant Classification Criteria Version 2. Collection method: clinical testing. Allele origin: germline. Affected: yes. Observed: 1 variant allele.
Comment: PIEZO1: PM2

Ambry Genetics
Classification: Uncertain significance for Inborn genetic diseases. Last evaluated: 2025-02-11. Review status: criteria provided, single submitter. Criteria: Ambry Variant Classification Scheme 2023. Collection method: clinical testing. Allele origin: germline.

Labcorp Genetics (formerly Invitae), Labcorp
Classification: Benign. Last evaluated: 2024-11-25. Review status: criteria provided, single submitter. Criteria: Invitae Variant Classification Sherloc (09022015). Collection method: clinical testing. Allele origin: germline.

Revvity Omics, Revvity
Classification: Uncertain significance. Last evaluated: 2023-05-24. Review status: criteria provided, single submitter. Criteria: ACMG Guidelines, 2015. Collection method: clinical testing. Allele origin: germline.

PreventionGenetics, part of Exact Sciences
Classification: Uncertain significance for PIEZO1-related condition. Last evaluated: 2024-01-23. Review status: no assertion criteria provided. Collection method: clinical testing. Allele origin: germline. Not counted in ClinVar's aggregate classification.
Comment: The PIEZO1 c.4623C>A variant is predicted to result in the amino acid substitution p.Asp1541Glu. To our knowledge, this variant has not been reported in the literature. This variant is reported in 0.024% of alleles in individuals of African descent in gnomAD. At this time, the clinical significance of this variant is uncertain due to the absence of conclusive functional and genetic evidence.